The following is an entry in ClinVar:

NM_014629.4(ARHGEF10):c.556G>C (p.Val186Leu)

Gene: ARHGEF10 (Rho guanine nucleotide exchange factor 10; plus strand). Cytogenetic location: 8p23.3.
Variant type: single nucleotide variant.
Coding change: c.556G>C on transcript NM_014629.4 (MANE Select); coding-DNA position 556, G replaced by C.
Protein change: p.Val186Leu; replaces valine 186 with leucine.
Molecular consequence: missense variant.
Genome position (GRCh38, 1-based): chr8:1,866,536, G>C. VCF-style: chr8-1866536-G-C. GRCh37 (hg19) VCF-style: chr8-1814702-G-C.
Other names: c.559G>C, p.Val187Leu (NM_001308152.2, NM_001308153.3); short protein forms V187L, V186L, V211L.
Identifiers: ClinVar variation 3781614 (VCV003781614.2).

ClinVar aggregate classification (germline): Uncertain significance. Review status: criteria provided, multiple submitters, no conflicts (2 of 4 stars). 2 submissions from 2 submitters: Uncertain significance (2). Last evaluated 2025-11-21.

gnomAD v4.1: 19 of 1,611,492 alleles (0.0012%); highest among the groups gnomAD compares: African/African-American, 0.021%; no homozygotes.

Submissions (2):

Labcorp Genetics (formerly Invitae), Labcorp
Classification: Uncertain significance. Last evaluated: 2025-11-21. Review status: criteria provided, single submitter. Criteria: Invitae Variant Classification Sherloc (09022015). Collection method: clinical testing. Allele origin: germline.
Comment: This sequence change replaces valine, which is neutral and non-polar, with leucine, which is neutral and non-polar, at codon 186 of the ARHGEF10 protein (p.Val186Leu). This variant is present in population databases (rs561840793, gnomAD 0.02%). This variant has not been reported in the literature in individuals affected with ARHGEF10-related conditions. ClinVar contains an entry for this variant (Variation ID: 3781614). An algorithm developed to predict the effect of missense changes on protein structure and function (PolyPhen-2) suggests that this variant is likely to be tolerated. In summary, the available evidence is currently insufficient to determine the role of this variant in disease. Therefore, it has been classified as a Variant of Uncertain Significance.

Ambry Genetics
Classification: Uncertain significance. Last evaluated: 2025-01-10. Review status: criteria provided, single submitter. Criteria: Ambry Variant Classification Scheme 2023. Collection method: clinical testing. Allele origin: germline.